The following is an entry in ClinVar:

NM_000388.4(CASR):c.1884del (p.Phe629fs)

Gene: CASR (calcium sensing receptor; plus strand). Cytogenetic location: 3q21.1.
Variant type: Deletion.
Coding change: c.1884del on transcript NM_000388.4 (MANE Select); coding-DNA position 1884, one base deleted (C; older notation c.1884delC).
Protein change: p.Phe629fs; shifts the reading frame from phenylalanine 629.
Molecular consequence: frameshift variant.
Genome position (GRCh38, 1-based): chr3:122,283,838, C deleted; the last of 2 consecutive C bases (chr3:122,283,837-122,283,838); deleting either gives the same sequence. VCF-style (leftmost placement, unchanged base first): chr3-122283836-GC-G. GRCh37 (hg19) VCF-style: chr3-122002683-GC-G.
Other names: c.1914del, p.Phe639fs (NM_001178065.2); short protein forms F629fs, F639fs.
Identifiers: ClinVar variation 35784 (VCV000035784.3), dbSNP rs193922429, ClinGen allele CA213574.
Genomic context (GRCh38, chr3:122,283,836, plus strand): 5'-TGGACGGAGCCCTTTGGGATCGCACTCACCCTCTTTGCCGTGCTGGGCATTTTCCTGACA[GC>G]CTTTGTGCTGGGTGTGTTTATCAAGTTCCGCAACACACCCATTGTCAAGGCCACCAACCG-3'

ClinVar aggregate classification (germline): Likely pathogenic (1 of 4 stars; one submission).

Conditions:
Familial hypocalciuric hypercalcemia (FHH). Also called: Familial benign hypercalcemia. Identifiers: Orphanet 405, MedGen C1809471, MONDO:0018458.

Submission:

Women's Health and Genetics/Laboratory Corporation of America, LabCorp
Classification: Likely pathogenic for Familial Hypocalciuric Hypercalcemia. Last evaluated: 2011-08-18. Review status: criteria provided, single submitter. Criteria: LabCorp Variant Classification Summary - May 2015. Collection method: curation, clinical testing. Allele origin: germline. Inheritance: autosomal unknown. Affected: yes.
ClinVar note: Converted during submission from likely pathogenic to Likely pathogenic.